The following is an entry in ClinVar:

ClinVar aggregate classification (germline): Uncertain significance. Review status: criteria provided, multiple submitters, no conflicts (2 of 4 stars). 2 submissions from 2 submitters: Uncertain significance (2). Last evaluated 2026-01-14.

Allele frequency attached by ClinVar (database versions not stated): 1000 Genomes Project 30x 0.00031; TOPMed 0.00038; 1000 Genomes Project 0.00040; gnomAD 0.00042 and 0.00043; gnomAD exomes 0.00051 and 0.00055; ESP Exome Variant Server 0.00057; ExAC 0.00085.

Submissions (2):

Labcorp Genetics (formerly Invitae), Labcorp
Classification: Uncertain significance. Last evaluated: 2026-01-14. Review status: criteria provided, single submitter. Criteria: Invitae Variant Classification Sherloc (09022015). Collection method: clinical testing. Allele origin: germline.
Comment: This sequence change replaces serine, which is neutral and polar, with alanine, which is neutral and non-polar, at codon 389 of the PLEKHM2 protein (p.Ser389Ala). This variant is present in population databases (rs200354338, gnomAD 0.1%), and has an allele count higher than expected for a pathogenic variant. This variant has not been reported in the literature in individuals affected with PLEKHM2-related conditions. ClinVar contains an entry for this variant (Variation ID: 639080). An algorithm developed to predict the effect of missense changes on protein structure and function outputs the following: PolyPhen-2: "Benign". The alanine amino acid residue is found in multiple mammalian species, which suggests that this missense change does not adversely affect protein function. In summary, the available evidence is currently insufficient to determine the role of this variant in disease. Therefore, it has been classified as a Variant of Uncertain Significance.

Ambry Genetics
Classification: Uncertain significance. Last evaluated: 2025-09-18. Review status: criteria provided, single submitter. Criteria: Ambry Variant Classification Scheme 2023. Collection method: clinical testing. Allele origin: germline.

NM_015164.4(PLEKHM2):c.1165T>G (p.Ser389Ala)

Gene: PLEKHM2 (pleckstrin homology and RUN domain containing M2; plus strand). Cytogenetic location: 1p36.21.
Variant type: single nucleotide variant.
Coding change: c.1165T>G on transcript NM_015164.4 (MANE Select); coding-DNA position 1165, T replaced by G.
Protein change: p.Ser389Ala; replaces serine 389 with alanine.
Molecular consequence: missense variant.
Genome position (GRCh38, 1-based): chr1:15,727,237, T>G. VCF-style: chr1-15727237-T-G. GRCh37 (hg19) VCF-style: chr1-16053732-T-G.
Other names: short protein forms S389A.
Identifiers: ClinVar variation 639080 (VCV000639080.10), dbSNP rs200354338, ClinGen allele CA616877.
Genomic context (GRCh38, chr1:15,727,237, plus strand): 5'-CTTGCCTCCCCCCAGGAGGAGGGAGAGGGGCCGAGCAGCACCACGGAGAGCAGCGAGCGC[T>G]CCGAGCCGGGCCTGCTGATCCCTGAGATGAAGGACACCTCCATGGAGCGCTTGGGGCAGC-3'
Protein context (NP_055979.2, residues 379-399): PSSTTESSER[Ser389Ala]EPGLLIPEMK